The following is an entry in ClinVar:

ClinVar aggregate classification (germline): Likely benign. Review status: criteria provided, multiple submitters, no conflicts (2 of 4 stars). 2 submissions from 2 submitters: Likely benign (2). Last evaluated 2025-11-23.

Conditions:
Autosomal recessive limb-girdle muscular dystrophy type 2J (LGMDR10). Also called: Limb-girdle muscular dystrophy, type 2J; MUSCULAR DYSTROPHY, LIMB-GIRDLE, AUTOSOMAL RECESSIVE 10. Identifiers: Orphanet 140922, MedGen C1837342, MONDO:0012127, OMIM 608807.
Dilated cardiomyopathy 1G (CMD1G). Identifiers: Orphanet 154, MedGen C1858763, MONDO:0011400, OMIM 604145.

Allele frequency attached by ClinVar (database versions not stated): TOPMed below 0.00001.

Submissions (2):

Labcorp Genetics (formerly Invitae), Labcorp
Classification: Likely benign for Dilated cardiomyopathy 1G; Autosomal recessive limb-girdle muscular dystrophy type 2J. Last evaluated: 2025-11-23. Review status: criteria provided, single submitter. Criteria: Invitae Variant Classification Sherloc (09022015). Collection method: clinical testing. Allele origin: germline.

GeneDx
Classification: Likely benign. Last evaluated: 2018-05-31. Review status: criteria provided, single submitter. Criteria: GeneDx Variant Classification (06012015). Collection method: clinical testing. Allele origin: germline. Affected: yes.
Comment: This variant is considered likely benign or benign based on one or more of the following criteria: it is a conservative change, it occurs at a poorly conserved position in the protein, it is predicted to be benign by multiple in silico algorithms, and/or has population frequency not consistent with disease.

NC_000002.12:g.178540380A>G

Genes: TTN (titin; minus strand), TTN-AS1 (TTN antisense RNA 1; plus strand). Cytogenetic location: 2q31.2.
Variant type: single nucleotide variant.
Molecular consequence: intron variant (on NM_001267550.2).
Genome position: GRCh38 VCF-style: chr2-178540380-A-G. GRCh37 (hg19) VCF-style: chr2-179405107-A-G.
Other names: c.97796-10T>C (NM_001267550.2); c.70601-10T>C (NM_003319.4); c.71177-10T>C (NM_133437.4); c.70976-10T>C (NM_133432.3); c.90092-10T>C (NM_133378.4); c.92873-10T>C (NM_001256850.1).
Identifiers: ClinVar variation 467696 (VCV000467696.11), dbSNP rs1553512260, ClinGen allele CA658657127.